The following is an entry in ClinVar:

NM_014014.5(SNRNP200):c.3305G>A (p.Arg1102Gln)

Gene: SNRNP200 (small nuclear ribonucleoprotein U5 subunit 200; minus strand). Cytogenetic location: 2q11.2.
Variant type: single nucleotide variant.
Coding change: c.3305G>A on transcript NM_014014.5 (MANE Select); coding-DNA position 3305, G replaced by A.
Protein change: p.Arg1102Gln; replaces arginine 1102 with glutamine.
Molecular consequence: missense variant.
Genome position (GRCh38, 1-based): chr2:96,287,923, C>T on the plus strand (G>A on the coding strand, the complement: SNRNP200 is on the minus strand). VCF-style: chr2-96287923-C-T. GRCh37 (hg19) VCF-style: chr2-96953661-C-T.
Other names: short protein forms R1102Q.
Identifiers: ClinVar variation 4774306 (VCV004774306.1).

ClinVar aggregate classification (germline): Uncertain significance (1 of 4 stars; one submission).

gnomAD v4.1: 4 of 1,614,208 alleles (0.00025%); highest among the groups gnomAD compares: Non-Finnish European, 0.00034%; no homozygotes.

Submission:

Labcorp Genetics (formerly Invitae), Labcorp
Classification: Uncertain significance. Last evaluated: 2025-04-18. Review status: criteria provided, single submitter. Criteria: Invitae Variant Classification Sherloc (09022015). Collection method: clinical testing. Allele origin: germline.
Comment: This sequence change replaces arginine, which is basic and polar, with glutamine, which is neutral and polar, at codon 1102 of the SNRNP200 protein (p.Arg1102Gln). This variant is not present in population databases (gnomAD no frequency). This variant has not been reported in the literature in individuals affected with SNRNP200-related conditions. Invitae Evidence Modeling of protein sequence and biophysical properties (such as structural, functional, and spatial information, amino acid conservation, physicochemical variation, residue mobility, and thermodynamic stability) has been performed for this missense variant. However, the output from this modeling did not meet the statistical confidence thresholds required to predict the impact of this variant on SNRNP200 protein function. In summary, the available evidence is currently insufficient to determine the role of this variant in disease. Therefore, it has been classified as a Variant of Uncertain Significance.